The following is an entry in ClinVar:

NM_001958.5(EEF1A2):c.401G>A (p.Arg134Gln)

Genes: EEF1A2 (eukaryotic translation elongation factor 1 alpha 2; minus strand), LOC132090595 (Neanderthal introgressed variant-containing enhancer experimental_60987; plus strand). Cytogenetic location: 20q13.33.
Variant type: single nucleotide variant.
Coding change: c.401G>A on transcript NM_001958.5 (MANE Select); coding-DNA position 401, G replaced by A.
Protein change: p.Arg134Gln; replaces arginine 134 with glutamine.
Molecular consequence: missense variant.
Genome position (GRCh38, 1-based): chr20:63,495,025, C>T on the plus strand (G>A on the coding strand, the complement: EEF1A2 is on the minus strand). VCF-style: chr20-63495025-C-T. GRCh37 (hg19) VCF-style: chr20-62126378-C-T.
Other names: short protein forms R134Q.
Identifiers: ClinVar variation 2723304 (VCV002723304.3), dbSNP rs2516783430, ClinGen allele CA409650232.
Genomic context (GRCh38, chr20:63,495,025, plus strand): 5'-TTGTTCACGCCCACGATGAGCTGCTTCACACCCAGCGTGTAGGCCAGCAGGGCATGCTCC[C>T]GCGTCTGCCCATTCTTGGAGATGCCCGCCTCGAACTCGCCCACGCCCGCCGCCACGATCA-3'
Protein context (NP_001949.1, residues 124-144): EAGISKNGQT[Arg134Gln]EHALLAYTLG

ClinVar aggregate classification (germline): Uncertain significance (1 of 4 stars; one submission).

Conditions:
Developmental and epileptic encephalopathy, 33 (DEE33). Also called: Epileptic encephalopathy, early infantile, 33. Identifiers: Orphanet 442835, MedGen C4225337, MONDO:0014625, OMIM 616409.

Submission:

Labcorp Genetics (formerly Invitae), Labcorp
Classification: Uncertain significance for Developmental and epileptic encephalopathy, 33. Last evaluated: 2023-04-30. Review status: criteria provided, single submitter. Criteria: Invitae Variant Classification Sherloc (09022015). Collection method: clinical testing. Allele origin: germline.
Comment: In summary, the available evidence is currently insufficient to determine the role of this variant in disease. Therefore, it has been classified as a Variant of Uncertain Significance. Advanced modeling of protein sequence and biophysical properties (such as structural, functional, and spatial information, amino acid conservation, physicochemical variation, residue mobility, and thermodynamic stability) performed at Invitae indicates that this missense variant is not expected to disrupt EEF1A2 protein function. This variant has not been reported in the literature in individuals affected with EEF1A2-related conditions. This variant is not present in population databases (gnomAD no frequency). This sequence change replaces arginine, which is basic and polar, with glutamine, which is neutral and polar, at codon 134 of the EEF1A2 protein (p.Arg134Gln).